The following is an entry in ClinVar:

NM_000051.4(ATM):c.4600_4605del (p.Val1534_Gln1535del)

Gene: ATM (ATM serine/threonine kinase; plus strand). Cytogenetic location: 11q22.3.
Variant type: Deletion.
Coding change: c.4600_4605del on transcript NM_000051.4 (MANE Select); coding-DNA positions 4600 to 4605, 6 bases deleted (GTTCAG; older notation c.4600_4605delGTTCAG).
Protein change: p.Val1534_Gln1535del.
Molecular consequence: inframe deletion.
Genome position (GRCh38, 1-based): chr11:108,292,782-108,292,787, GTTCAG deleted; deleting any 6 consecutive bases within chr11:108,292,780-108,292,787 gives the same sequence; the c. name uses the placement nearest the transcript's 3' end. VCF-style (leftmost placement, unchanged base first): chr11-108292779-GAGGTTC-G. GRCh37 (hg19) VCF-style: chr11-108163506-GAGGTTC-G.
Other names: c.4600_4605del, p.Val1534_Gln1535del (NM_001351834.2); c.4600_4605del (NM_000051.3).
Identifiers: ClinVar variation 825034 (VCV000825034.14), dbSNP rs768183241, ClinGen allele CA6265499.
Genomic context (GRCh38, chr11:108,292,779, plus strand): 5'-CTAGAAAACCATCTTCATGTTATTGTTGGTACACTTATACCCCTTGTGTATGAGCAGGTG[GAGGTTC>G]AGAAACAGGTAATTTTCTGACTCATCTTCAAAATGGTATTTAAAATATATAAAGTATTGT-3'

ClinVar aggregate classification (germline): Uncertain significance. Review status: criteria provided, multiple submitters, no conflicts (2 of 4 stars). 6 submissions from 6 submitters: Uncertain significance (5). 1 of the submissions does not count toward it. Last evaluated 2025-07-09.

Conditions:
Hereditary cancer-predisposing syndrome. Also called: Neoplastic Syndromes, Hereditary; Hereditary Cancer Syndrome; Hereditary neoplastic syndrome; Tumor predisposition. Identifiers: Orphanet 140162, MedGen C0027672, MeSH D009386, MONDO:0015356.
Ataxia-telangiectasia syndrome (AT). Also called: ATAXIA-TELANGIECTASIA, COMPLEMENTATION GROUP A; ATAXIA-TELANGIECTASIA, FRESNO VARIANT; Ataxia-telangiectasia, complementation group E; Ataxia telangiectasia (A-T); LOUIS-BAR SYNDROME; Cerebello-oculocutaneous telangiectasia. Identifiers: Orphanet 100, MedGen C0004135, MONDO:0008840, OMIM 208900.
Familial cancer of breast. Also called: hereditary breast carcinoma; BREAST CANCER, FAMILIAL; Hereditary breast cancer. Identifiers: Orphanet 227535, MedGen C0346153, MONDO:0016419, OMIM 114480. Disease mechanism: loss of function.

Submissions (6):

Ambry Genetics
Classification: Uncertain significance for Hereditary cancer-predisposing syndrome. Last evaluated: 2025-07-09. Review status: criteria provided, single submitter. Criteria: Ambry Variant Classification Scheme 2023. Collection method: clinical testing. Allele origin: germline.
Comment: The c.4600_4605delGTTCAG variant (also known as p.V1534_Q1535del) is located in coding exon 29 of the ATM gene. This variant results from an in-frame GTTCAG deletion at nucleotide positions 4600 to 4605. This results in the in-frame deletion of a two residues (VQ) at codon 1534 to 1535. This amino acid region is not well conserved in available vertebrate species. In addition, this alteration is predicted to be deleterious by in silico analysis (Choi Y et al. PLoS ONE. 2012; 7(10):e46688). Based on the available evidence, the clinical significance of this variant remains unclear.

Labcorp Genetics (formerly Invitae), Labcorp
Classification: Uncertain significance for Ataxia-telangiectasia syndrome. Last evaluated: 2024-09-16. Review status: criteria provided, single submitter. Criteria: Invitae Variant Classification Sherloc (09022015). Collection method: clinical testing. Allele origin: germline.
Comment: This variant, c.4600_4605del, results in the deletion of 2 amino acid(s) of the ATM protein (p.Val1534_Gln1535del), but otherwise preserves the integrity of the reading frame. This variant is present in population databases (rs768183241, gnomAD 0.01%). This variant has not been reported in the literature in individuals affected with ATM-related conditions. ClinVar contains an entry for this variant (Variation ID: 825034). Experimental studies and prediction algorithms are not available or were not evaluated, and the functional significance of this variant is currently unknown. In summary, the available evidence is currently insufficient to determine the role of this variant in disease. Therefore, it has been classified as a Variant of Uncertain Significance.

Baylor Genetics
Classification: Uncertain significance for Familial cancer of breast. Last evaluated: 2023-11-27. Review status: criteria provided, single submitter. Criteria: ACMG Guidelines, 2015. Collection method: clinical testing. Allele origin: unknown.

Fulgent Genetics
Classification: Uncertain significance for Familial cancer of breast; Ataxia-telangiectasia syndrome. Last evaluated: 2021-07-26. Review status: criteria provided, single submitter. Criteria: ACMG Guidelines, 2015. Collection method: clinical testing. Allele origin: unknown.

Women's Health and Genetics/Laboratory Corporation of America, LabCorp
Classification: Uncertain significance. Last evaluated: 2019-05-17. Review status: criteria provided, single submitter. Criteria: LabCorp Variant Classification Summary - May 2015. Collection method: clinical testing. Allele origin: germline.
Comment: Variant summary: ATM c.4600_4605delGTTCAG (p.Val1534_Gln1535del) results in an in-frame deletion that is predicted to remove Valine and Glutamine from the encoded protein. The variant allele was found at a frequency of 4e-06 in 251284 control chromosomes (gnomAD). The available data on variant occurrences in the general population are insufficient to allow any conclusion about variant significance. To our knowledge, no occurrence of c.4600_4605delGTTCAG in individuals affected with Ataxia-Telangiectasia and no experimental evidence demonstrating its impact on protein function have been reported. No clinical diagnostic laboratories have submitted clinical-significance assessments for this variant to ClinVar after 2014. Based on the evidence outlined above, the variant was classified as uncertain significance.

Natera, Inc.
Classification: Uncertain significance for Ataxia-telangiectasia. Last evaluated: 2020-11-19. Review status: no assertion criteria provided. Collection method: clinical testing. Allele origin: germline. Not counted in ClinVar's aggregate classification.